The following is an entry in ClinVar:

NM_000053.4(ATP7B):c.3935_3936del (p.His1312fs)

Gene: ATP7B (ATPase copper transporting beta; minus strand). Cytogenetic location: 13q14.3.
Variant type: Deletion.
Coding change: c.3935_3936del on transcript NM_000053.4 (MANE Select); coding-DNA positions 3935 to 3936, 2 bases deleted (AC; older notation c.3935_3936delAC).
Protein change: p.His1312fs; shifts the reading frame from histidine 1312.
Molecular consequence: frameshift variant.
Genome position (GRCh38, 1-based): chr13:51,937,361-51,937,362, GT deleted on the plus strand (AC on the coding strand, the reverse complement: ATP7B is on the minus strand); deleting any 2 consecutive bases within chr13:51,937,361-51,937,363 gives the same sequence; the c. name uses the placement nearest the transcript's 3' end. VCF-style (leftmost placement, unchanged base first): chr13-51937360-GGT-G. GRCh37 (hg19) VCF-style: chr13-52511496-GGT-G.
Other names: c.3314_3315del, p.His1105fs (NM_001005918.3); c.3602_3603del, p.His1201fs (NM_001243182.2); c.3701_3702del, p.His1234fs (NM_001330578.2); c.3683_3684del, p.His1228fs (NM_001330579.2); c.3934_3935delCA, p.His1312Profs (NM_001406511.1, NM_001406512.1); c.3928_3929delCA, p.His1310Profs (NM_001406513.1); c.3901_3902delCA, p.His1301Profs (NM_001406514.1); c.3880_3881delCA, p.His1294Profs (NM_001406515.1, NM_001406516.1); and 23 more; short protein forms H1105fs, H1201fs, H1228fs, H1234fs, H1312fs.
Identifiers: ClinVar variation 1724164 (VCV001724164.2), dbSNP rs2547565028, ClinGen allele CA2580087700.

ClinVar aggregate classification (germline): Likely pathogenic (1 of 4 stars; one submission).

Conditions:
Wilson disease (WND). Also called: Wilson's disease. Identifiers: Orphanet 905, MedGen C0019202, MONDO:0010200, OMIM 277900. Disease mechanism: loss of function.

Submission:

Myriad Genetics, Inc.
Classification: Likely pathogenic for Wilson disease. Last evaluated: 2021-11-07. Review status: criteria provided, single submitter. Criteria: Myriad Women's Health Autosomal Recessive and X-Linked Classification Criteria (2021). Collection method: clinical testing. Allele origin: unknown.
Comment: NM_000053.3(ATP7B):c.3935_3936delAC(H1312Pfs*20) is expected to be pathogenic in the context of Wilson disease. This variant is predicted to lead to an abnormal or absent protein product due to the creation of a premature termination codon in ATP7B, a gene where loss-of-function variants are known to be pathogenic. Please note: this variant was assessed in the context of healthy population screening.